The following is an entry in ClinVar:

ClinVar aggregate classification (germline): Likely benign (0 of 4 stars; one submission).

Conditions:
CFTR-related disorder (CFTR-RD). Also called: CFTR-related disorders; CFTR-related condition. Identifiers: MedGen C5924204, MONDO:7770004.

Submission:

PreventionGenetics, part of Exact Sciences
Classification: Likely benign for CFTR-related condition. Last evaluated: 2024-05-20. Review status: no assertion criteria provided. Collection method: clinical testing. Allele origin: germline.
Comment: This variant is classified as likely benign based on ACMG/AMP sequence variant interpretation guidelines (Richards et al. 2015 PMID: 25741868, with internal and published modifications).

NM_000492.4(CFTR):c.3718-2487A>T

Genes: CFTR (CF transmembrane conductance regulator; plus strand), CFTR-AS2 (CFTR antisense RNA 2; minus strand), LOC113633877 (CFTR intron 19 DNase I hypersensitive site; plus strand). Cytogenetic location: 7q31.2.
Variant type: single nucleotide variant.
Coding change: c.3718-2487A>T on transcript NM_000492.4 (MANE Select); 2487 bases into the intron before coding-DNA position 3718, A replaced by T.
Molecular consequence: intron variant.
Genome position (GRCh38, 1-based): chr7:117,639,951, A>T. VCF-style: chr7-117639951-A-T. GRCh37 (hg19) VCF-style: chr7-117280005-A-T.
Identifiers: ClinVar variation 3344112 (VCV003344112.1).
Genomic context (GRCh38, chr7:117,639,951, plus strand): 5'-GATTTCTGGAGACCACAAGGTAATGAAAAATAATTACAAGAGTCTTCCATCTGTTGCAGT[A>T]TTAAAATGGCGAGTAAGACACCCTGAAAGGAAATGTTCTATTCATGGTACAATGCAATTA-3'